The following is an entry in ClinVar:

ClinVar aggregate classification (germline): Uncertain significance (1 of 4 stars; one submission).

Conditions:
Hereditary cancer-predisposing syndrome. Also called: Hereditary Cancer Syndrome; Hereditary neoplastic syndrome; Neoplastic Syndromes, Hereditary; Tumor predisposition. Identifiers: Orphanet 140162, MedGen C0027672, MeSH D009386, MONDO:0015356.

Allele frequency attached by ClinVar (database versions not stated): gnomAD exomes below 0.00001.
gnomAD v4.1: 1 of 1,614,076 alleles (0.000062%); highest among the groups gnomAD compares: Non-Finnish European, 0.000085%; no homozygotes.

Submissions (2):

Ambry Genetics
Classification: Uncertain significance for Hereditary cancer-predisposing syndrome. Last evaluated: 2019-12-15. Review status: criteria provided, single submitter. Criteria: Ambry Variant Classification Scheme 2023. Collection method: clinical testing. Allele origin: germline.
Comment: The p.I1707L variant (also known as c.5119A>C), located in coding exon 16 of the BRCA1 gene, results from an A to C substitution at nucleotide position 5119. The isoleucine at codon 1707 is replaced by leucine, an amino acid with highly similar properties. This amino acid position is highly conserved in available vertebrate species. In addition, the in silico prediction for this alteration is inconclusive. Since supporting evidence is limited at this time, the clinical significance of this alteration remains unclear.

Brotman Baty Institute, University of Washington
No classification provided (evidence only). Condition: Breast-ovarian cancer, familial 1. Review status: no classification provided. Collection method: in vitro. Allele origin: not applicable. Functional consequence: functionally_normal. Not counted in ClinVar's aggregate classification.
ClinVar note: "not provided" was previously submitted as the classification for the variant. However, the classification appeared to be based only on an observation of functional data so it was converted to no classification on 2025-07-30.

NM_007294.4(BRCA1):c.5119A>C (p.Ile1707Leu)

Gene: BRCA1 (BRCA1 DNA repair associated; minus strand). Cytogenetic location: 17q21.31.
Variant type: single nucleotide variant.
Coding change: c.5119A>C on transcript NM_007294.4 (MANE Select); coding-DNA position 5119, A replaced by C.
Protein change: p.Ile1707Leu; replaces isoleucine 1707 with leucine.
Molecular consequence: missense variant. On other transcripts: non-coding transcript variant (1).
Genome position (GRCh38, 1-based): chr17:43,063,907, T>G on the plus strand (A>C on the coding strand, the complement: BRCA1 is on the minus strand). VCF-style: chr17-43063907-T-G. GRCh37 (hg19) VCF-style: chr17-41215924-T-G.
Other names: c.5116A>C, p.Ile1706Leu (NM_001407611.1, NM_001407612.1, NM_001407613.1 and 17 more transcripts); c.4906A>C, p.Ile1636Leu (NM_001407571.1, NM_001407894.1, NM_001407895.1 and 12 more transcripts); c.5185A>C, p.Ile1729Leu (NM_001407581.1, NM_001407582.1); c.5182A>C, p.Ile1728Leu (NM_001407583.1, NM_001407585.1, NM_001407587.1 and 1 more transcripts); c.5179A>C, p.Ile1727Leu (NM_001407590.1, NM_001407591.1); c.5119A>C, p.Ile1707Leu (NM_001407593.1, NM_001407594.1, NM_001407596.1 and 7 more transcripts); c.5113A>C, p.Ile1705Leu (NM_001407627.1, NM_001407628.1, NM_001407629.1 and 14 more transcripts); c.5110A>C, p.Ile1704Leu (NM_001407644.1, NM_001407645.1); and 71 more; short protein forms I603L, I1707L, I1660L, I1728L, I1578L, I1580L, I1594L, I1636L.
Identifiers: ClinVar variation 825461 (VCV000825461.7), dbSNP rs1597820147, ClinGen allele CA10591299.
Genomic context (GRCh38, chr17:43,063,907, plus strand): 5'-GGAGGGGAGAAATAGTATTATACTTACAGAAATAGCTAACTACCCATTTTCCTCCCGCAA[T>G]TCCTAGAAAATATTTCAGTGTCCGTTCACACACAAACTCAGCATCTGCAGAATGAAAAAC-3'
Protein context (NP_009225.1, residues 1697-1717): CERTLKYFLG[Ile1707Leu]AGGKWVVSYF